The following is an entry in ClinVar:

NM_003072.5(SMARCA4):c.4009C>G (p.Leu1337Val)

Gene: SMARCA4 (SWI/SNF related BAF chromatin remodeling complex subunit ATPase 4; plus strand). Cytogenetic location: 19p13.2.
Variant type: single nucleotide variant.
Coding change: c.4009C>G on transcript NM_003072.5 (MANE Select); coding-DNA position 4009, C replaced by G.
Protein change: p.Leu1337Val; replaces leucine 1337 with valine.
Molecular consequence: missense variant. On other transcripts: non-coding transcript variant (1).
Genome position (GRCh38, 1-based): chr19:11,034,971, C>G. VCF-style: chr19-11034971-C-G. GRCh37 (hg19) VCF-style: chr19-11145647-C-G.
Other names: c.4009C>G, p.Leu1337Val (NM_001128844.3, NM_001128849.3, NM_001387283.1); c.3910C>G, p.Leu1304Val (NM_001128845.2, NM_001128846.2, NM_001128847.4 and 3 more transcripts); short protein forms L1304V, L1337V.
Identifiers: ClinVar variation 1736984 (VCV001736984.2), dbSNP rs1173290092, ClinGen allele CA404068104.
Genomic context (GRCh38, chr19:11,034,971, plus strand): 5'-CAGCGCATGGACCTGGACCGCAGGCGCGAGGAGGCCCGCAACCCCAAGCGGAAGCCGCGC[C>G]TCATGGAGGAGGACGAGCTCCCCTCGTGGATCATCAAGGACGACGCGGAGGTGGAGCGGC-3'
Protein context (NP_003063.2, residues 1327-1347): EARNPKRKPR[Leu1337Val]MEEDELPSWI

ClinVar aggregate classification (germline): Uncertain significance (1 of 4 stars; one submission).

Conditions:
Hereditary cancer-predisposing syndrome. Also called: Neoplastic Syndromes, Hereditary; Tumor predisposition; Hereditary Cancer Syndrome; Hereditary neoplastic syndrome. Identifiers: Orphanet 140162, MedGen C0027672, MeSH D009386, MONDO:0015356.

Submission:

Ambry Genetics
Classification: Uncertain significance for Hereditary cancer-predisposing syndrome. Last evaluated: 2020-11-30. Review status: criteria provided, single submitter. Criteria: Ambry Variant Classification Scheme 2023. Collection method: clinical testing. Allele origin: germline.
Comment: The p.L1337V variant (also known as c.4009C>G), located in coding exon 28 of the SMARCA4 gene, results from a C to G substitution at nucleotide position 4009. The leucine at codon 1337 is replaced by valine, an amino acid with highly similar properties. This amino acid position is highly conserved in available vertebrate species. In addition, the in silico prediction for this alteration is inconclusive. Since supporting evidence is limited at this time, the clinical significance of this alteration remains unclear.